The following is an entry in ClinVar:

ClinVar aggregate classification (germline): Uncertain significance. Review status: criteria provided, multiple submitters, no conflicts (2 of 4 stars). 2 submissions from 2 submitters: Uncertain significance (2). Last evaluated 2024-05-02.

Conditions:
Angioedema, hereditary, 4. Identifiers: MedGen C5543503, MONDO:0025712, OMIM 619360.
Plasminogen deficiency, type I. Also called: Type 1 plasminogen deficiency; Hypoplasminogenemia. Identifiers: Orphanet 722, MedGen C1968804, MONDO:0009009, OMIM 217090.

Allele frequency attached by ClinVar (database versions not stated): gnomAD exomes 0.00001; TOPMed 0.00001.
gnomAD v4.1: 14 of 1,613,998 alleles (0.00087%); highest among the groups gnomAD compares: Non-Finnish European, 0.0012%; no homozygotes.

Submissions (2):

Fulgent Genetics
Classification: Uncertain significance for Plasminogen deficiency, type I; Angioedema, hereditary, 4. Last evaluated: 2024-05-02. Review status: criteria provided, single submitter. Criteria: ACMG Guidelines, 2015. Collection method: clinical testing. Allele origin: germline.

Labcorp Genetics (formerly Invitae), Labcorp
Classification: Uncertain significance. Last evaluated: 2022-07-03. Review status: criteria provided, single submitter. Criteria: Invitae Variant Classification Sherloc (09022015). Collection method: clinical testing. Allele origin: germline.
Comment: Algorithms developed to predict the effect of missense changes on protein structure and function (SIFT, PolyPhen-2, Align-GVGD) all suggest that this variant is likely to be disruptive. Algorithms developed to predict the effect of sequence changes on RNA splicing suggest that this variant may create or strengthen a splice site. In summary, the available evidence is currently insufficient to determine the role of this variant in disease. Therefore, it has been classified as a Variant of Uncertain Significance. This variant is not present in population databases (gnomAD no frequency). This variant has not been reported in the literature in individuals affected with PLG-related conditions. This sequence change replaces valine, which is neutral and non-polar, with alanine, which is neutral and non-polar, at codon 582 of the PLG protein (p.Val582Ala).

NM_000301.5(PLG):c.1745T>C (p.Val582Ala)

Gene: PLG (plasminogen; plus strand). Cytogenetic location: 6q26.
Variant type: single nucleotide variant.
Coding change: c.1745T>C on transcript NM_000301.5 (MANE Select); coding-DNA position 1745, T replaced by C.
Protein change: p.Val582Ala; replaces valine 582 with alanine.
Molecular consequence: missense variant.
Genome position (GRCh38, 1-based): chr6:160,736,950, T>C. VCF-style: chr6-160736950-T-C. GRCh37 (hg19) VCF-style: chr6-161157982-T-C.
Other names: short protein forms V582A.
Identifiers: ClinVar variation 2129731 (VCV002129731.5), dbSNP rs1778095001, ClinGen allele CA366364921.